The following is an entry in ClinVar:

ClinVar aggregate classification (germline): Uncertain significance (1 of 4 stars; one submission).

Conditions:
Congenital contractural arachnodactyly (CCA). Also called: Beals-Hecht syndrome; BEALS SYNDROME; Arthrogryposis, distal, type 9. Identifiers: Orphanet 115, MedGen C0220668, MONDO:0007363, OMIM 121050.

Submission:

Labcorp Genetics (formerly Invitae), Labcorp
Classification: Uncertain significance for Congenital contractural arachnodactyly. Last evaluated: 2021-02-23. Review status: criteria provided, single submitter. Criteria: Invitae Variant Classification Sherloc (09022015). Collection method: clinical testing. Allele origin: germline.
Comment: This variant is not present in population databases (ExAC no frequency). This sequence change replaces alanine with serine at codon 927 of the FBN2 protein (p.Ala927Ser). The alanine residue is highly conserved and there is a moderate physicochemical difference between alanine and serine. In summary, the available evidence is currently insufficient to determine the role of this variant in disease. Therefore, it has been classified as a Variant of Uncertain Significance. Algorithms developed to predict the effect of missense changes on protein structure and function are either unavailable or do not agree on the potential impact of this missense change (SIFT: "Deleterious"; PolyPhen-2: "Possibly Damaging"; Align-GVGD: "Class C0"). This variant has not been reported in the literature in individuals with FBN2-related conditions.

NM_001999.4(FBN2):c.2779G>T (p.Ala927Ser)

Gene: FBN2 (fibrillin 2; minus strand). Cytogenetic location: 5q23.3.
Variant type: single nucleotide variant.
Coding change: c.2779G>T on transcript NM_001999.4 (MANE Select); coding-DNA position 2779, G replaced by T.
Protein change: p.Ala927Ser; replaces alanine 927 with serine.
Molecular consequence: missense variant.
Genome position (GRCh38, 1-based): chr5:128,350,901, C>A on the plus strand (G>T on the coding strand, the complement: FBN2 is on the minus strand). VCF-style: chr5-128350901-C-A. GRCh37 (hg19) VCF-style: chr5-127686593-C-A.
Other names: short protein forms A927S.
Identifiers: ClinVar variation 655262 (VCV000655262.9), dbSNP rs863223559, ClinGen allele CA360766133.